The following is an entry in ClinVar:

NM_001082486.2(ACD):c.932G>C (p.Ser311Thr)

Gene: ACD (ACD shelterin complex subunit and telomerase recruitment factor; minus strand). Cytogenetic location: 16q22.1.
Variant type: single nucleotide variant.
Coding change: c.932G>C on transcript NM_001082486.2 (MANE Select); coding-DNA position 932, G replaced by C.
Protein change: p.Ser311Thr; replaces serine 311 with threonine.
Molecular consequence: missense variant.
Genome position (GRCh38, 1-based): chr16:67,658,260, C>G on the plus strand (G>C on the coding strand, the complement: ACD is on the minus strand). VCF-style: chr16-67658260-C-G. GRCh37 (hg19) VCF-style: chr16-67692163-C-G.
Other names: c.845G>C, p.Ser282Thr (NM_001410884.1); c.923G>C, p.Ser308Thr (NM_022914.3); short protein forms S282T, S308T, S311T.
Identifiers: ClinVar variation 3261518 (VCV003261518.1).

ClinVar aggregate classification (germline): Uncertain significance (1 of 4 stars; one submission).

Conditions:
Inborn genetic diseases. Identifiers: MedGen C0950123, MeSH D030342.

Submission:

Ambry Genetics
Classification: Uncertain significance for Inborn genetic diseases. Last evaluated: 2024-04-01. Review status: criteria provided, single submitter. Criteria: Ambry Variant Classification Scheme 2023. Collection method: clinical testing. Allele origin: germline.
Comment: The p.S397T variant (also known as c.1190G>C), located in coding exon 10 of the ACD gene, results from a G to C substitution at nucleotide position 1190. The serine at codon 397 is replaced by threonine, an amino acid with similar properties. This amino acid position is conserved. In addition, this alteration is predicted to be tolerated by in silico analysis. Based on the available evidence, the clinical significance of this alteration remains unclear.